The following is an entry in ClinVar:

ClinVar aggregate classification (germline): Uncertain significance (1 of 4 stars; one submission).

Conditions:
Hereditary spastic paraplegia 4. Also called: Spastic Paraplegia 4; Spastic paraplegia 4, autosomal dominant; Familial spastic paraplegia autosomal dominant 2. Identifiers: Orphanet 100985, MedGen C1866855, MONDO:0008438, OMIM 182601.

Allele frequency attached by ClinVar (database versions not stated): gnomAD exomes below 0.00001; ExAC 0.00001.
gnomAD v4.1: 1 of 1,614,120 alleles (0.000062%); highest among the groups gnomAD compares: Admixed American, 0.0017%; no homozygotes.

Submission:

Labcorp Genetics (formerly Invitae), Labcorp
Classification: Uncertain significance for Hereditary spastic paraplegia 4. Last evaluated: 2022-08-09. Review status: criteria provided, single submitter. Criteria: Invitae Variant Classification Sherloc (09022015). Collection method: clinical testing. Allele origin: germline.
Comment: In summary, the available evidence is currently insufficient to determine the role of this variant in disease. Therefore, it has been classified as a Variant of Uncertain Significance. Advanced modeling of protein sequence and biophysical properties (such as structural, functional, and spatial information, amino acid conservation, physicochemical variation, residue mobility, and thermodynamic stability) performed at Invitae indicates that this missense variant is not expected to disrupt SPAST protein function. This variant has not been reported in the literature in individuals affected with SPAST-related conditions. This variant is present in population databases (rs774891032, gnomAD 0.003%). This sequence change replaces serine, which is neutral and polar, with arginine, which is basic and polar, at codon 270 of the SPAST protein (p.Ser270Arg).

NM_014946.4(SPAST):c.808A>C (p.Ser270Arg)

Gene: SPAST (spastin; plus strand). Cytogenetic location: 2p22.3.
Variant type: single nucleotide variant.
Coding change: c.808A>C on transcript NM_014946.4 (MANE Select); coding-DNA position 808, A replaced by C.
Protein change: p.Ser270Arg; replaces serine 270 with arginine.
Molecular consequence: missense variant.
Genome position (GRCh38, 1-based): chr2:32,114,763, A>C. VCF-style: chr2-32114763-A-C. GRCh37 (hg19) VCF-style: chr2-32339832-A-C.
Other names: c.805A>C, p.Ser269Arg (NM_001363823.2); c.709A>C, p.Ser237Arg (NM_001363875.2); c.712A>C, p.Ser238Arg (NM_001377959.1, NM_199436.2); short protein forms S238R, S237R, S269R, S270R.
Identifiers: ClinVar variation 2009520 (VCV002009520.4), dbSNP rs774891032, ClinGen allele CA1600709.